The following is an entry in ClinVar:

NM_004260.4(RECQL4):c.565G>A (p.Gly189Ser)

Gene: RECQL4 (RecQ like helicase 4; minus strand). Cytogenetic location: 8q24.3.
Variant type: single nucleotide variant.
Coding change: c.565G>A on transcript NM_004260.4 (MANE Select); coding-DNA position 565, G replaced by A.
Protein change: p.Gly189Ser; replaces glycine 189 with serine.
Molecular consequence: missense variant.
Genome position (GRCh38, 1-based): chr8:144,516,554, C>T on the plus strand (G>A on the coding strand, the complement: RECQL4 is on the minus strand). VCF-style: chr8-144516554-C-T. GRCh37 (hg19) VCF-style: chr8-145741938-C-T.
Other names: short protein forms G189S.
Identifiers: ClinVar variation 94896 (VCV000094896.25), dbSNP rs34371341, ClinGen allele CA147891.

ClinVar aggregate classification (germline): Benign/Likely benign. Review status: criteria provided, multiple submitters, no conflicts (2 of 4 stars). 11 submissions from 11 submitters: Benign (4); Likely benign (5). 2 of the submissions do not count toward it. Last evaluated 2026-02-03.

Conditions:
Inborn genetic diseases. Identifiers: MedGen C0950123, MeSH D030342.
RECQL4-related disorder. Also called: RECQL4-related disorders; RECQL4-related condition.
Hereditary cancer-predisposing syndrome. Also called: Neoplastic Syndromes, Hereditary; Hereditary Cancer Syndrome; Tumor predisposition; Hereditary neoplastic syndrome. Identifiers: Orphanet 140162, MedGen C0027672, MeSH D009386, MONDO:0015356.
Baller-Gerold syndrome (BGS). Also called: CRANIOSYNOSTOSIS WITH RADIAL DEFECTS. Identifiers: Orphanet 1225, MedGen C0265308, MONDO:0009039, OMIM 218600.
Rapadilino syndrome. Identifiers: Orphanet 3021, MedGen C1849453, MONDO:0009955, OMIM 266280.

Allele frequency attached by ClinVar (database versions not stated): gnomAD exomes 0.00055; gnomAD 0.00204; TOPMed 0.00221; 1000 Genomes Project 0.00260; 1000 Genomes Project 30x 0.00265; ESP Exome Variant Server 0.00217; ExAC 0.00075.
gnomAD v4.1: 582 of 1,609,990 alleles (0.036%); highest among the groups gnomAD compares: African/African-American, 0.69%; 3 homozygotes.

Submissions (11):

Labcorp Genetics (formerly Invitae), Labcorp
Classification: Benign for Baller-Gerold syndrome. Last evaluated: 2026-02-03. Review status: criteria provided, single submitter. Criteria: Invitae Variant Classification Sherloc (09022015). Collection method: clinical testing. Allele origin: germline.

KCCC/NGS Laboratory, Kuwait Cancer Control Center
Classification: Benign for Rapadilino syndrome. Last evaluated: 2025-02-01. Review status: criteria provided, single submitter. Criteria: ACMG Guidelines, 2015. Collection method: clinical testing. Allele origin: germline. Affected: no.

Ambry Genetics
Classification: Likely benign for Inborn genetic diseases. Last evaluated: 2024-10-02. Review status: criteria provided, single submitter. Criteria: Ambry Variant Classification Scheme 2023. Collection method: clinical testing. Allele origin: germline.

Blueprint Genetics
Classification: Likely benign. Last evaluated: 2024-08-06. Review status: criteria provided, single submitter. Criteria: ACMG Guidelines, 2015. Collection method: clinical testing. Allele origin: germline.

Sema4
Classification: Likely benign for Hereditary cancer-predisposing syndrome. Last evaluated: 2021-05-29. Review status: criteria provided, single submitter. Criteria: Sema4 Curation Guidelines. Collection method: curation. Allele origin: germline.

Genetic Services Laboratory, University of Chicago
Classification: Benign. Last evaluated: 2021-05-03. Review status: criteria provided, single submitter. Criteria: ACMG Guidelines, 2015. Collection method: clinical testing. Allele origin: germline. Affected: no.

GeneDx
Classification: Likely benign. Last evaluated: 2021-03-18. Review status: criteria provided, single submitter. Criteria: GeneDx Variant Classification Process June 2021. Collection method: clinical testing. Allele origin: germline. Affected: yes.

Eurofins Ntd Llc (ga)
Classification: Benign. Last evaluated: 2013-07-26. Review status: criteria provided, single submitter. Criteria: EGL Classification Definitions 2015. Collection method: clinical testing. Allele origin: germline. Observed: 3 variant alleles, 2 heterozygotes, 1 homozygote.

Breakthrough Genomics
Classification: Likely benign. Review status: criteria provided, single submitter. Criteria: ACMG Guidelines, 2015. Collection method: not provided. Allele origin: germline. Inheritance: Autosomal recessive inheritance. Affected: yes.

PreventionGenetics, part of Exact Sciences
Classification: Benign for RECQL4-related condition. Last evaluated: 2019-09-16. Review status: no assertion criteria provided. Collection method: clinical testing. Allele origin: germline. Not counted in ClinVar's aggregate classification.
Comment: This variant is classified as benign based on ACMG/AMP sequence variant interpretation guidelines (Richards et al. 2015 PMID: 25741868, with internal and published modifications).

ITMI
No classification provided. Condition: AllHighlyPenetrant. Last evaluated: 2013-09-19. Review status: no classification provided. Collection method: reference population. Allele origin: germline. Not counted in ClinVar's aggregate classification.
Comment: Please see associated publication for description of ethnicities

Literature cited by the submitters: PubMed 24728327 (cited by ITMI).